The following is an entry in ClinVar:

ClinVar aggregate classification (germline): Benign/Likely benign. Review status: criteria provided, multiple submitters, no conflicts (2 of 4 stars). 5 submissions from 5 submitters: Benign (3); Likely benign (2). Last evaluated 2026-01-28.

Conditions:
Cardiomyopathy (CMYO). Also called: Cardiomyopathies. Identifiers: Orphanet 167848, MedGen C0878544, MONDO:0004994, HP:0001638. Inheritance: Various modes of inheritance.

Allele frequency attached by ClinVar (database versions not stated): 1000 Genomes Project 30x 0.00141; TOPMed 0.00154; gnomAD exomes 0.00208; 1000 Genomes Project 0.00120; ExAC 0.00341.

Submissions (5):

Labcorp Genetics (formerly Invitae), Labcorp
Classification: Likely benign. Last evaluated: 2026-01-28. Review status: criteria provided, single submitter. Criteria: Invitae Variant Classification Sherloc (09022015). Collection method: clinical testing. Allele origin: germline.

Women's Health and Genetics/Laboratory Corporation of America, LabCorp
Classification: Benign. Last evaluated: 2018-10-15. Review status: criteria provided, single submitter. Criteria: LabCorp Variant Classification Summary - May 2015. Collection method: clinical testing. Allele origin: germline.
Comment: Variant summary: CTF1 c.591C>G results in a synonymous change. 5/5 computational tools predict no significant impact on normal splicing. However, these predictions have yet to be confirmed by functional studies. The variant allele was found at a frequency of 0.0018 in 131558 control chromosomes (gnomAD). The observed variant frequency is approximately 72-folds higher than the estimated maximal expected allele frequency for a pathogenic variant in CTF1 causing Cardiomyopathy phenotype (2.5e-05), strongly suggesting that the variant is benign. To our knowledge, no occurrence of c.591C>G in individuals affected with Cardiomyopathy and no experimental evidence demonstrating its impact on protein function have been reported. Two ClinVar submissions from clinical diagnostic laboratories (evaluation after 2014) cite the variant once as uncertain significance and once as likely benign. Based on the evidence outlined above, the variant was classified as benign.

CHEO Genetics Diagnostic Laboratory, Children's Hospital of Eastern Ontario
Classification: Benign for Cardiomyopathy. Last evaluated: 2017-05-04. Review status: criteria provided, single submitter. Criteria: ACMG Guidelines, 2015. Collection method: clinical testing. Allele origin: germline. Study: Canadian Open Genetics Repository.

Laboratory for Molecular Medicine, Mass General Brigham Personalized Medicine
Classification: Benign. Last evaluated: 2014-12-22. Review status: criteria provided, single submitter. Criteria: LMM Criteria. Collection method: clinical testing. Allele origin: germline. Observed: 8 variant alleles.
Comment: p.Pro197Pro in exon 3 of CTF1: This variant is not expected to have clinical sig nificance because it does not alter an amino acid residue, is not located within the splice consensus sequence, and has been identified in 0.9% (28/3168) of Eur opean chromosomes by the Exome Aggregation Consortium (ExAC; dbSNP rs397516652)

Breakthrough Genomics
Classification: Likely benign. Review status: criteria provided, single submitter. Criteria: ACMG Guidelines, 2015. Collection method: not provided. Allele origin: germline. Inheritance: Unknown mechanism. Affected: yes.

NM_001330.5(CTF1):c.591C>G (p.Pro197=)

Genes: CTF1 (cardiotrophin 1; plus strand), LOC130058878 (ATAC-STARR-seq lymphoblastoid silent region 7400; plus strand). Cytogenetic location: 16p11.2.
Variant type: single nucleotide variant.
Coding change: c.591C>G on transcript NM_001330.5 (MANE Select); coding-DNA position 591, C replaced by G.
Protein change: p.Pro197=; no amino-acid change (proline 197 retained).
Molecular consequence: synonymous variant. On other transcripts: non-coding transcript variant (1).
Genome position (GRCh38, 1-based): chr16:30,902,524, C>G. VCF-style: chr16-30902524-C-G. GRCh37 (hg19) VCF-style: chr16-30913845-C-G.
Other names: c.588C>G, p.Pro196= (NM_001142544.3).
Identifiers: ClinVar variation 44182 (VCV000044182.19), dbSNP rs397516652, ClinGen allele CA133735.
Genomic context (GRCh38, chr16:30,902,524, plus strand): 5'-TTGCGGCCTCTACCGCGAGTGGCTGAGCCGCACCGAGGGCGACCTGGGCCAGCTGCTGCC[C>G]GGGGGCTCGGCCTGAGCGCCGCGGGGCAGCTCGCCCCGCCTCCTCCCGCTGGGTTCCGTC-3'
Protein context (NP_001321.1, residues 187-201): RTEGDLGQLL[Pro197=]GGSA